The following is an entry in ClinVar:

ClinVar aggregate classification (germline): Uncertain significance (1 of 4 stars; one submission).

Allele frequency attached by ClinVar (database versions not stated): TOPMed below 0.00001; gnomAD exomes 0.00001.
gnomAD v4.1: 4 of 1,226,476 alleles (0.00033%); highest among the groups gnomAD compares: Non-Finnish European, 0.0003%; no homozygotes.

Submission:

Labcorp Genetics (formerly Invitae), Labcorp
Classification: Uncertain significance. Last evaluated: 2023-07-17. Review status: criteria provided, single submitter. Criteria: Invitae Variant Classification Sherloc (09022015). Collection method: clinical testing. Allele origin: germline.
Comment: This sequence change replaces alanine, which is neutral and non-polar, with valine, which is neutral and non-polar, at codon 307 of the HMX1 protein (p.Ala307Val). This variant is not present in population databases (gnomAD no frequency). This variant has not been reported in the literature in individuals affected with HMX1-related conditions. ClinVar contains an entry for this variant (Variation ID: 2099993). Advanced modeling of protein sequence and biophysical properties (such as structural, functional, and spatial information, amino acid conservation, physicochemical variation, residue mobility, and thermodynamic stability) performed at Invitae indicates that this missense variant is not expected to disrupt HMX1 protein function. In summary, the available evidence is currently insufficient to determine the role of this variant in disease. Therefore, it has been classified as a Variant of Uncertain Significance.

NM_018942.3(HMX1):c.920C>T (p.Ala307Val)

Gene: HMX1 (H6 family homeobox 1; minus strand). Cytogenetic location: 4p16.1.
Variant type: single nucleotide variant.
Coding change: c.920C>T on transcript NM_018942.3 (MANE Select); coding-DNA position 920, C replaced by T.
Protein change: p.Ala307Val; replaces alanine 307 with valine.
Molecular consequence: missense variant. On other transcripts: intron variant (1).
Genome position (GRCh38, 1-based): chr4:8,867,820, G>A on the plus strand (C>T on the coding strand, the complement: HMX1 is on the minus strand). VCF-style: chr4-8867820-G-A. GRCh37 (hg19) VCF-style: chr4-8869546-G-A.
Other names: c.394+3401C>T (NM_001306142.2); short protein forms A307V.
Identifiers: ClinVar variation 2099993 (VCV002099993.4), dbSNP rs1229589241, ClinGen allele CA356277483.